The following is an entry in ClinVar:

NM_000785.4(CYP27B1):c.637C>T (p.Gln213Ter)

Gene: CYP27B1 (cytochrome P450 family 27 subfamily B member 1; minus strand). Cytogenetic location: 12q14.1.
Variant type: single nucleotide variant.
Coding change: c.637C>T on transcript NM_000785.4 (MANE Select); coding-DNA position 637, C replaced by T.
Protein change: p.Gln213Ter; replaces glutamine 213 with a stop codon.
Molecular consequence: nonsense.
Genome position (GRCh38, 1-based): chr12:57,765,164, G>A on the plus strand (C>T on the coding strand, the complement: CYP27B1 is on the minus strand). VCF-style: chr12-57765164-G-A. GRCh37 (hg19) VCF-style: chr12-58158947-G-A.
Other names: short protein forms Q213*.
Identifiers: ClinVar variation 2819340 (VCV002819340.3), dbSNP rs2540917035, ClinGen allele CA385505473.
Genomic context (GRCh38, chr12:57,765,164, plus strand): 5'-GCGTGGACACAAACACCGAGCCCACAGCGCGGATGAAGGTCTCCGTGTCGGGTGGCACTT[G>A]AGCCTCCAGGCAGCCCAAGCGCGAGCCGAGCAGAACCGCGGCGATGCCTTGTCGGGAGGG-3'

ClinVar aggregate classification (germline): Pathogenic (1 of 4 stars; one submission).

Allele frequency attached by ClinVar (database versions not stated): gnomAD exomes below 0.00001.
gnomAD v4.1: 1 of 1,613,672 alleles (0.000062%); highest among the groups gnomAD compares: South Asian, 0.0011%; no homozygotes.

Submission:

Labcorp Genetics (formerly Invitae), Labcorp
Classification: Pathogenic. Last evaluated: 2024-12-23. Review status: criteria provided, single submitter. Criteria: Invitae Variant Classification Sherloc (09022015). Collection method: clinical testing. Allele origin: germline.
Comment: This sequence change creates a premature translational stop signal (p.Gln213*) in the CYP27B1 gene. It is expected to result in an absent or disrupted protein product. Loss-of-function variants in CYP27B1 are known to be pathogenic (PMID: 9837822, 17488797). This variant is not present in population databases (gnomAD no frequency). This variant has not been reported in the literature in individuals affected with CYP27B1-related conditions. ClinVar contains an entry for this variant (Variation ID: 2819340). For these reasons, this variant has been classified as Pathogenic.

Literature cited by the submitters: PubMed 9837822; PubMed 17488797.